The following is an entry in ClinVar:

NM_000088.4(COL1A1):c.4159G>A (p.Ala1387Thr)

Gene: COL1A1 (collagen type I alpha 1 chain; minus strand). Cytogenetic location: 17q21.33.
Variant type: single nucleotide variant.
Coding change: c.4159G>A on transcript NM_000088.4 (MANE Select); coding-DNA position 4159, G replaced by A.
Protein change: p.Ala1387Thr; replaces alanine 1387 with threonine.
Molecular consequence: missense variant.
Genome position (GRCh38, 1-based): chr17:50,185,867, C>T on the plus strand (G>A on the coding strand, the complement: COL1A1 is on the minus strand). VCF-style: chr17-50185867-C-T. GRCh37 (hg19) VCF-style: chr17-48263228-C-T.
Other names: short protein forms A1387T.
Identifiers: ClinVar variation 1687324 (VCV001687324.8), dbSNP rs1598284183, ClinGen allele CA400191818.

ClinVar aggregate classification (germline): Pathogenic/Likely pathogenic. Review status: criteria provided, multiple submitters, no conflicts (2 of 4 stars). 2 submissions from 2 submitters: Pathogenic (1); Likely pathogenic (1). Last evaluated 2025-07-02.

Conditions:
Osteogenesis imperfecta type III (OI3). Also called: Progressively Deforming Osteogenesis Imperfecta; Osteogenesis imperfecta type 3; OI type 3; Osteogenesis imperfecta, progressively deforming with normal sclerae; OI type III. Identifiers: Orphanet 216812, Orphanet 666, MedGen C0268362, MONDO:0009804, OMIM 259420.
Osteogenesis imperfecta, perinatal lethal (OI2). Also called: OSTEOGENESIS IMPERFECTA, TYPE II; Osteogenesis imperfecta type 2; Osteogenesis imperfecta, dominant perinatal lethal; OI, TYPE II; OSTEOGENESIS IMPERFECTA CONGENITA; VROLIK TYPE OF OSTEOGENESIS IMPERFECTA. Identifiers: Orphanet 216804, MedGen C0268358, MONDO:0008147, OMIM 166210.
Osteogenesis imperfecta with normal sclerae, dominant form (OI4). Also called: Osteogenesis imperfecta type 4; Common Variable Osteogenesis Imperfecta with Normal Sclerae; OSTEOGENESIS IMPERFECTA WITH NORMAL SCLERAE; OSTEOGENESIS IMPERFECTA, TYPE IV, WITH DENTINOGENESIS IMPERFECTA; Osteogenesis Imperfecta Type IV. Identifiers: Orphanet 216820, Orphanet 666, MedGen C0268363, MONDO:0008148, OMIM 166220.
Osteogenesis imperfecta type I (OI1). Also called: Lobstein's Disease; Osteogenesis imperfecta type 1; Classic Non-deforming Osteogenesis Imperfecta with Blue Sclerae; OI, TYPE I; OSTEOGENESIS IMPERFECTA TARDA; OSTEOGENESIS IMPERFECTA WITH BLUE SCLERAE. Identifiers: Orphanet 216796, Orphanet 666, MedGen C0023931, MONDO:0008146, OMIM 166200. Disease mechanism: loss of function.

Submissions (2):

Labcorp Genetics (formerly Invitae), Labcorp
Classification: Pathogenic for Osteogenesis imperfecta type I. Last evaluated: 2025-07-02. Review status: criteria provided, single submitter. Criteria: Invitae Variant Classification Sherloc (09022015). Collection method: clinical testing. Allele origin: germline.
Comment: This sequence change replaces alanine, which is neutral and non-polar, with threonine, which is neutral and polar, at codon 1387 of the COL1A1 protein (p.Ala1387Thr). This variant is not present in population databases (gnomAD no frequency). This missense change has been observed in individual(s) with clinical features of osteogenesis imperfecta (internal data). In at least one individual the variant was observed to be de novo. ClinVar contains an entry for this variant (Variation ID: 1687324). Invitae Evidence Modeling of protein sequence and biophysical properties (such as structural, functional, and spatial information, amino acid conservation, physicochemical variation, residue mobility, and thermodynamic stability) indicates that this missense variant is not expected to disrupt COL1A1 protein function with a negative predictive value of 95%. This variant disrupts the p.Ala1387 amino acid residue in COL1A1. Other variant(s) that disrupt this residue have been determined to be pathogenic (PMID: 21834035, 27549894). This suggests that this residue is clinically significant, and that variants that disrupt this residue are likely to be disease-causing. For these reasons, this variant has been classified as Pathogenic.

3billion
Classification: Likely pathogenic for Osteogenesis imperfecta type I; Osteogenesis imperfecta, perinatal lethal; Osteogenesis imperfecta type III; Osteogenesis imperfecta with normal sclerae, dominant form. Last evaluated: 2024-02-19. Review status: criteria provided, single submitter. Criteria: ACMG Guidelines, 2015. Collection method: clinical testing. Allele origin: germline. Affected: yes.
Comment: The variant is not observed in the gnomAD v2.1.1 dataset. Predicted Consequence/Location: Missense variant In silico tool predictions suggest damaging effect of the variant on gene or gene product [REVEL: 0.67 (>=0.6, sensitivity 0.68 and specificity 0.92); 3Cnet: 0.44 (>=0.6, sensitivity 0.72 and precision 0.9)]. Same nucleotide change resulting in same amino acid change has been previously reported to be associated with COL1A1 related disorder (ClinVar ID: VCV001687324 /PMID: 30143849).A different missense change at the same codon (p.Ala1387Val) has been reported to be associated with COL1A1 related disorder (ClinVar ID: VCV000041470 /PMID: 21834035). Therefore, this variant is classified as Likely pathogenic according to the recommendation of ACMG/AMP guideline.

Literature cited by the submitters: PubMed 21834035 (cited by Labcorp Genetics (formerly Invitae), Labcorp and 3billion); PubMed 27549894 (cited by Labcorp Genetics (formerly Invitae), Labcorp); PubMed 30143849 (cited by 3billion).